The following is an entry in ClinVar:

NM_003803.4(MYOM1):c.771A>G (p.Thr257=)

Gene: MYOM1 (myomesin 1; minus strand). Cytogenetic location: 18p11.31.
Variant type: single nucleotide variant.
Coding change: c.771A>G on transcript NM_003803.4 (MANE Select); coding-DNA position 771, A replaced by G.
Protein change: p.Thr257=; no amino-acid change (threonine 257 retained).
Molecular consequence: synonymous variant.
Genome position (GRCh38, 1-based): chr18:3,188,748, T>C on the plus strand (A>G on the coding strand, the complement: MYOM1 is on the minus strand). VCF-style: chr18-3188748-T-C. GRCh37 (hg19) VCF-style: chr18-3188746-T-C.
Other names: c.771A>G, p.Thr257= (NM_019856.2).
Identifiers: ClinVar variation 3654197 (VCV003654197.2).

ClinVar aggregate classification (germline): Uncertain significance (1 of 4 stars; one submission).

Conditions:
Hypertrophic cardiomyopathy. Also called: HYPERTROPHIC MYOCARDIOPATHY. Identifiers: Orphanet 217569, MedGen C0007194, MeSH D002312, MONDO:0005045, HP:0001639.

gnomAD v4.1: 1 of 1,566,746 alleles (0.000064%); highest among the groups gnomAD compares: African/African-American, 0.0014%; no homozygotes.

Submission:

Labcorp Genetics (formerly Invitae), Labcorp
Classification: Uncertain significance for Hypertrophic cardiomyopathy. Last evaluated: 2025-01-02. Review status: criteria provided, single submitter. Criteria: Invitae Variant Classification Sherloc (09022015). Collection method: clinical testing. Allele origin: germline.
Comment: This sequence change affects codon 257 of the MYOM1 mRNA. It is a 'silent' change, meaning that it does not change the encoded amino acid sequence of the MYOM1 protein. It affects a nucleotide within the consensus splice site. This variant is not present in population databases (gnomAD no frequency). This variant has not been reported in the literature in individuals affected with MYOM1-related conditions. Algorithms developed to predict the effect of sequence changes on RNA splicing suggest that this variant is not likely to affect RNA splicing. In summary, the available evidence is currently insufficient to determine the role of this variant in disease. Therefore, it has been classified as a Variant of Uncertain Significance.